The following is an entry in ClinVar:

ClinVar aggregate classification (germline): Uncertain significance (1 of 4 stars; one submission).

Conditions:
Developmental and epileptic encephalopathy, 1 (DEE1). Also called: X-linked infantile spasms; West's syndrome; Tonic spasms with clustering, arrest of psychomotor development and hypsarrhythmia on EEG; X-Linked Infantile Spasm Syndrome; OHTAHARA SYNDROME, X-LINKED; Epileptic encephalopathy, early infantile, 1. Identifiers: MedGen C3463992, MONDO:0010632, OMIM 308350. Disease mechanism: loss of function.

Allele frequency attached by ClinVar (database versions not stated): gnomAD exomes below 0.00001.
gnomAD v4.1: 1 of 1,174,321 alleles (0.000085%); highest among the groups gnomAD compares: Non-Finnish European, 0.00011%; no homozygotes.

Submission:

Institute of Human Genetics, University of Leipzig Medical Center
Classification: Uncertain significance for Developmental and epileptic encephalopathy, 1. Last evaluated: 2018-10-04. Review status: criteria provided, single submitter. Criteria: ACMG Guidelines, 2015. Collection method: clinical testing. Allele origin: germline. Affected: yes. Observed: 1 variant allele.
Comment: This variant was identified as hemizygous

NM_139058.3(ARX):c.1522G>A (p.Val508Met)

Gene: ARX (aristaless related homeobox; minus strand). Cytogenetic location: Xp21.3.
Variant type: single nucleotide variant.
Coding change: c.1522G>A on transcript NM_139058.3 (MANE Select); coding-DNA position 1522, G replaced by A.
Protein change: p.Val508Met; replaces valine 508 with methionine.
Molecular consequence: missense variant.
Genome position (GRCh38, 1-based): chrX:25,004,837, C>T on the plus strand (G>A on the coding strand, the complement: ARX is on the minus strand). VCF-style: chrX-25004837-C-T. GRCh37 (hg19) VCF-style: chrX-25022954-C-T.
Other names: short protein forms V508M.
Identifiers: ClinVar variation 976056 (VCV000976056.1), dbSNP rs2048670414, ClinGen allele CA412610835.